The following is an entry in ClinVar:

NM_000166.6(GJB1):c.238C>A (p.Gln80Lys)

Gene: GJB1 (gap junction protein beta 1; plus strand). Cytogenetic location: Xq13.1.
Variant type: single nucleotide variant.
Coding change: c.238C>A on transcript NM_000166.6 (MANE Select); coding-DNA position 238, C replaced by A.
Protein change: p.Gln80Lys; replaces glutamine 80 with lysine.
Molecular consequence: missense variant.
Genome position (GRCh38, 1-based): chrX:71,223,945, C>A. VCF-style: chrX-71223945-C-A. GRCh37 (hg19) VCF-style: chrX-70443795-C-A.
Other names: c.238C>A, p.Gln80Lys (NM_001097642.3); short protein forms Q80K.
Identifiers: ClinVar variation 637563 (VCV000637563.13), dbSNP rs1602348981, ClinGen allele CA413501616.
Genomic context (GRCh38, chrX:71,223,945, plus strand): 5'-TGCAACAGCGTTTGCTATGACCAATTCTTCCCCATCTCCCATGTGCGGCTGTGGTCCCTG[C>A]AGCTCATCCTAGTTTCCACCCCAGCTCTCCTCGTGGCCATGCACGTGGCTCACCAGCAAC-3'
Protein context (NP_000157.1, residues 70-90): PISHVRLWSL[Gln80Lys]LILVSTPALL

ClinVar aggregate classification (germline): Conflicting classifications of pathogenicity. Review status: criteria provided, conflicting classifications (1 of 4 stars). 3 submissions from 3 submitters: Pathogenic (1); Uncertain significance (1). 1 of the submissions does not count toward it. Last evaluated 2022-12-23.

Conditions:
Charcot-Marie-Tooth Neuropathy X. Identifiers: MedGen CN118851.
Charcot-Marie-Tooth disease. Also called: Charcot-Marie-Tooth Hereditary Neuropathy; Charcot-Marie-Tooth Neuropathy. Identifiers: Orphanet 166, MedGen C0007959, MONDO:0015626.
Inborn genetic diseases. Identifiers: MedGen C0950123, MeSH D030342.

Submissions (3):

Labcorp Genetics (formerly Invitae), Labcorp
Classification: Pathogenic for Charcot-Marie-Tooth Neuropathy X. Last evaluated: 2022-12-23. Review status: criteria provided, single submitter. Criteria: Invitae Variant Classification Sherloc (09022015). Collection method: clinical testing. Allele origin: germline.
Comment: For these reasons, this variant has been classified as Pathogenic. This variant disrupts the p.Gln80 amino acid residue in GJB1. Other variant(s) that disrupt this residue have been determined to be pathogenic (PMID: 7580242, 8737658, 10737979, 17353473). This suggests that this residue is clinically significant, and that variants that disrupt this residue are likely to be disease-causing. Advanced modeling of protein sequence and biophysical properties (such as structural, functional, and spatial information, amino acid conservation, physicochemical variation, residue mobility, and thermodynamic stability) performed at Invitae indicates that this missense variant is expected to disrupt GJB1 protein function. ClinVar contains an entry for this variant (Variation ID: 637563). This missense change has been observed in individuals with Charcot-Marie-Tooth disease (PMID: 22465464; Invitae). This variant is not present in population databases (gnomAD no frequency). This sequence change replaces glutamine, which is neutral and polar, with lysine, which is basic and polar, at codon 80 of the GJB1 protein (p.Gln80Lys).

Ambry Genetics
Classification: Uncertain significance for Inborn genetic diseases. Last evaluated: 2022-06-17. Review status: criteria provided, single submitter. Criteria: Ambry Variant Classification Scheme 2023. Collection method: clinical testing. Allele origin: germline.
Comment: The p.Q80K variant (also known as c.238C>A), located in coding exon 1 of the GJB1 gene, results from a C to A substitution at nucleotide position 238. The glutamine at codon 80 is replaced by lysine, an amino acid with similar properties. This alteration has been detected in one patient in a Charcot-Marie-Tooth neuropathy X type 1 (CMTX1) cohort; however, clinical details were limited (Arthur-Farraj PJ et al. Neuromuscul Disord, 2012 Jul;22:622-6). This amino acid position is highly conserved in available vertebrate species. In addition, this alteration is predicted to be deleterious by in silico analysis. Since supporting evidence is limited at this time, the clinical significance of this alteration remains unclear.

Inherited Neuropathy Consortium
Classification: Uncertain significance for Charcot-Marie-Tooth disease. Review status: no assertion criteria provided. Collection method: literature only. Allele origin: germline. Affected: yes. Not counted in ClinVar's aggregate classification.

Literature cited by the submitters: PubMed 7580242 (cited by Labcorp Genetics (formerly Invitae), Labcorp); PubMed 8737658 (cited by Labcorp Genetics (formerly Invitae), Labcorp); PubMed 10737979 (cited by Labcorp Genetics (formerly Invitae), Labcorp); PubMed 17353473 (cited by Labcorp Genetics (formerly Invitae), Labcorp); PubMed 22465464 (cited by Labcorp Genetics (formerly Invitae), Labcorp); PubMed 22464564 (cited by Ambry Genetics and Inherited Neuropathy Consortium).